The following is an entry in ClinVar:

NM_005045.4(RELN):c.1892+4A>G

Gene: RELN (reelin; minus strand). Cytogenetic location: 7q22.1.
Variant type: single nucleotide variant.
Coding change: c.1892+4A>G on transcript NM_005045.4 (MANE Select); 4 bases into the intron after coding-DNA position 1892, A replaced by G.
Molecular consequence: intron variant.
Genome position (GRCh38, 1-based): chr7:103,651,657, T>C on the plus strand (A>G on the coding strand, the complement: RELN is on the minus strand). VCF-style: chr7-103651657-T-C. GRCh37 (hg19) VCF-style: chr7-103292104-T-C.
Other names: c.1892+4A>G (NM_173054.3).
Identifiers: ClinVar variation 4792300 (VCV004792300.1).

ClinVar aggregate classification (germline): Uncertain significance (1 of 4 stars; one submission).

Conditions:
Norman-Roberts syndrome (LIS2). Also called: Lissencephaly 2 (Norman-Roberts type). Identifiers: Orphanet 89844, MedGen C0796089, MONDO:0009760, OMIM 257320.
Familial temporal lobe epilepsy 7. Identifiers: Orphanet 101046, MedGen C4225327, MONDO:0014639, OMIM 616436.

gnomAD v4.1: 1 of 1,610,796 alleles (0.000062%); highest among the groups gnomAD compares: East Asian, 0.0022%; no homozygotes.

Submission:

Labcorp Genetics (formerly Invitae), Labcorp
Classification: Uncertain significance for Familial temporal lobe epilepsy 7; Norman-Roberts syndrome. Last evaluated: 2025-12-14. Review status: criteria provided, single submitter. Criteria: Invitae Variant Classification Sherloc (09022015). Collection method: clinical testing. Allele origin: germline.
Comment: This sequence change falls in intron 15 of the RELN gene. It does not directly change the encoded amino acid sequence of the RELN protein. It affects a nucleotide within the consensus splice site. This variant is present in population databases (rs754135261, gnomAD 0.006%). This variant has not been reported in the literature in individuals affected with RELN-related conditions. Variants that disrupt the consensus splice site are a relatively common cause of aberrant splicing (PMID: 17576681, 9536098). Algorithms developed to predict the effect of sequence changes on RNA splicing suggest that this variant may disrupt the consensus splice site. In summary, the available evidence is currently insufficient to determine the role of this variant in disease. Therefore, it has been classified as a Variant of Uncertain Significance.

Literature cited by the submitters: PubMed 17576681; PubMed 9536098.